The following is an entry in ClinVar:

NM_001005242.3(PKP2):c.587G>A (p.Arg196His)

Gene: PKP2 (plakophilin 2; minus strand). Cytogenetic location: 12p11.21.
Variant type: single nucleotide variant.
Coding change: c.587G>A on transcript NM_001005242.3 (MANE Select); coding-DNA position 587, G replaced by A.
Protein change: p.Arg196His; replaces arginine 196 with histidine.
Molecular consequence: missense variant.
Genome position (GRCh38, 1-based): chr12:32,878,293, C>T on the plus strand (G>A on the coding strand, the complement: PKP2 is on the minus strand). VCF-style: chr12-32878293-C-T. GRCh37 (hg19) VCF-style: chr12-33031227-C-T.
Other names: c.587G>A, p.Arg196His (NM_004572.4); short protein forms R196H.
Identifiers: ClinVar variation 579918 (VCV000579918.15), dbSNP rs146566525, ClinGen allele CA038097.

ClinVar aggregate classification (germline): Uncertain significance. Review status: criteria provided, multiple submitters, no conflicts (2 of 4 stars). 4 submissions from 4 submitters: Uncertain significance (4). Last evaluated 2025-11-25.

Conditions:
Cardiovascular phenotype. Identifiers: MedGen CN230736.
Arrhythmogenic right ventricular cardiomyopathy (ARVD). Also called: Arrhythmogenic cardiomyopathy; Arrhythmogenic Right Ventricular Cardiomyopathy (ARVC); Cardiomyopathy, ARVC; Arrhythmogenic right ventricular dysplasia. Identifiers: Orphanet 247, MedGen C0349788, MeSH D019571, MONDO:0016587. Disease mechanism: loss of function. Inheritance: Various modes of inheritance.
Cardiomyopathy (CMYO). Also called: Cardiomyopathies. Identifiers: Orphanet 167848, MedGen C0878544, MONDO:0004994, HP:0001638. Inheritance: Various modes of inheritance.
Arrhythmogenic right ventricular dysplasia 9 (ARVD9). Also called: Arrhythmogenic Right Ventricular Dysplasia/Cardiomyopathy 9; ARRHYTHMOGENIC RIGHT VENTRICULAR DYSPLASIA, FAMILIAL, 9. Identifiers: MedGen C1836906, MONDO:0012180, OMIM 609040.

Allele frequency attached by ClinVar (database versions not stated): ExAC 0.00002; gnomAD 0.00002 and 0.00003; gnomAD exomes 0.00002; TOPMed 0.00005; ESP Exome Variant Server 0.00008.

Submissions (4):

Ambry Genetics
Classification: Uncertain significance for Cardiovascular phenotype. Last evaluated: 2025-11-25. Review status: criteria provided, single submitter. Criteria: Ambry Variant Classification Scheme 2023. Collection method: clinical testing. Allele origin: germline.
Comment: The p.R196H variant (also known as c.587G>A), located in coding exon 3 of the PKP2 gene, results from a G to A substitution at nucleotide position 587. The arginine at codon 196 is replaced by histidine, an amino acid with highly similar properties. This amino acid position is conserved. In addition, this alteration is predicted to be tolerated by in silico analysis. Since supporting evidence is limited at this time, the clinical significance of this alteration remains unclear.

Color Diagnostics, LLC DBA Color Health
Classification: Uncertain significance for Cardiomyopathy. Last evaluated: 2025-04-01. Review status: criteria provided, single submitter. Criteria: ACMG Guidelines, 2015. Collection method: clinical testing. Allele origin: germline.
Comment: This missense variant replaces arginine with histidine at codon 196 of the PKP2 protein. Computational prediction suggests that this variant may not impact protein structure and function. To our knowledge, functional studies have not been reported for this variant. This variant has not been reported in individuals affected with PKP2-related disorders in the literature. This variant has been identified in 4/251168 chromosomes in the general population by the Genome Aggregation Database (gnomAD). The available evidence is insufficient to determine the role of this variant in disease conclusively. Therefore, this variant is classified as a Variant of Uncertain Significance.

All of Us Research Program, National Institutes of Health
Classification: Uncertain significance for Arrhythmogenic right ventricular cardiomyopathy. Last evaluated: 2023-12-18. Review status: criteria provided, single submitter. Criteria: ACMG Guidelines, 2015. Collection method: clinical testing. Allele origin: germline. Inheritance: Autosomal dominant inheritance. Observed: 3 variant alleles, 3 heterozygotes.
Comment: Variant of Uncertain Significance due to insufficient evidence: This missense variant is located in the head domain of the PKP2 protein. Computational prediction tools and conservation analyses are inconclusive regarding the impact of this variant on the protein function. Computational splicing tools suggest that this variant may not impact RNA splicing. To our knowledge, functional assays have not been performed for this variant nor has this variant been reported in individuals affected with cardiovascular disorders in the literature. This variant has been identified in 3/245970 chromosomes in the general population by the Genome Aggregation Database (gnomAD). Available evidence is insufficient to determine the role of this variant in disease conclusively.

This study involves interpretation of variants in research participants for the purpose of population health screening. Participant phenotype was not available at the time of variant classification. Additional details can be found in publication PMID: 35346344, PMCID: PMC8962531

Labcorp Genetics (formerly Invitae), Labcorp
Classification: Uncertain significance for Arrhythmogenic right ventricular dysplasia 9. Last evaluated: 2021-09-16. Review status: criteria provided, single submitter. Criteria: Invitae Variant Classification Sherloc (09022015). Collection method: clinical testing. Allele origin: germline.
Comment: This sequence change replaces arginine with histidine at codon 196 of the PKP2 protein (p.Arg196His). The arginine residue is highly conserved and there is a small physicochemical difference between arginine and histidine. This variant is present in population databases (rs146566525, ExAC 0.01%). This variant has not been reported in the literature in individuals affected with PKP2-related conditions. Algorithms developed to predict the effect of missense changes on protein structure and function (SIFT, PolyPhen-2, Align-GVGD) all suggest that this variant is likely to be tolerated. In summary, the available evidence is currently insufficient to determine the role of this variant in disease. Therefore, it has been classified as a Variant of Uncertain Significance.